The following is an entry in ClinVar:

ClinVar aggregate classification (germline): Uncertain significance (1 of 4 stars; one submission).

Conditions:
Neuronal ceroid lipofuscinosis 7 (CLN7). Also called: MFSD8-Related Neuronal Ceroid-Lipofuscinosis. Identifiers: Orphanet 168491, Orphanet 228366, MedGen C1838571, MONDO:0012588, OMIM 610951.

Submission:

Labcorp Genetics (formerly Invitae), Labcorp
Classification: Uncertain significance for Neuronal ceroid lipofuscinosis 7. Last evaluated: 2022-06-09. Review status: criteria provided, single submitter. Criteria: Invitae Variant Classification Sherloc (09022015). Collection method: clinical testing. Allele origin: germline.
Comment: In summary, the available evidence is currently insufficient to determine the role of this variant in disease. Therefore, it has been classified as a Variant of Uncertain Significance. Algorithms developed to predict the effect of missense changes on protein structure and function (SIFT, PolyPhen-2, Align-GVGD) all suggest that this variant is likely to be tolerated. This variant has not been reported in the literature in individuals affected with MFSD8-related conditions. This variant is not present in population databases (gnomAD no frequency). This sequence change replaces methionine, which is neutral and non-polar, with isoleucine, which is neutral and non-polar, at codon 58 of the MFSD8 protein (p.Met58Ile).

NM_001371596.2(MFSD8):c.174G>T (p.Met58Ile)

Gene: MFSD8 (major facilitator superfamily domain containing 8; minus strand). Cytogenetic location: 4q28.2.
Variant type: single nucleotide variant.
Coding change: c.174G>T on transcript NM_001371596.2 (MANE Select); coding-DNA position 174, G replaced by T.
Protein change: p.Met58Ile; replaces methionine 58 with isoleucine.
Molecular consequence: missense variant.
Genome position (GRCh38, 1-based): chr4:127,949,828, C>A on the plus strand (G>T on the coding strand, the complement: MFSD8 is on the minus strand). VCF-style: chr4-127949828-C-A. GRCh37 (hg19) VCF-style: chr4-128870983-C-A.
Other names: c.174G>T, p.Met58Ile (NM_001363520.3, NM_001363521.3, NM_001371591.2 and 5 more transcripts); c.39G>T, p.Met13Ile (NM_001371590.2, NM_001371595.1, NM_001410765.1); short protein forms M13I, M58I.
Identifiers: ClinVar variation 2004013 (VCV002004013.4), dbSNP rs2546197156, ClinGen allele CA358178376.